The following is an entry in ClinVar:

NM_001369.3(DNAH5):c.11761G>C (p.Gly3921Arg)

Gene: DNAH5 (dynein axonemal heavy chain 5; minus strand). Cytogenetic location: 5p15.2.
Variant type: single nucleotide variant.
Coding change: c.11761G>C on transcript NM_001369.3 (MANE Select); coding-DNA position 11761, G replaced by C.
Protein change: p.Gly3921Arg; replaces glycine 3921 with arginine.
Molecular consequence: missense variant.
Genome position (GRCh38, 1-based): chr5:13,735,131, C>G on the plus strand (G>C on the coding strand, the complement: DNAH5 is on the minus strand). VCF-style: chr5-13735131-C-G. GRCh37 (hg19) VCF-style: chr5-13735240-C-G.
Other names: short protein forms G3921R.
Identifiers: ClinVar variation 1501628 (VCV001501628.8), dbSNP rs2126606457, ClinGen allele CA359222422.

ClinVar aggregate classification (germline): Pathogenic (1 of 4 stars; one submission).

Conditions:
Primary ciliary dyskinesia. Also called: Ciliary dyskinesia. Identifiers: Orphanet 244, MedGen C0008780, MONDO:0016575, HP:0012265.

Submission:

Labcorp Genetics (formerly Invitae), Labcorp
Classification: Pathogenic for Primary ciliary dyskinesia. Last evaluated: 2025-10-29. Review status: criteria provided, single submitter. Criteria: Invitae Variant Classification Sherloc (09022015). Collection method: clinical testing. Allele origin: germline.
Comment: This sequence change replaces glycine, which is neutral and non-polar, with arginine, which is basic and polar, at codon 3921 of the DNAH5 protein (p.Gly3921Arg). This variant also falls at the last nucleotide of exon 68, which is part of the consensus splice site for this exon. This variant is not present in population databases (gnomAD no frequency). This missense change has been observed in individual(s) with primary ciliary dyskinesia (PMID: 32253119; internal data). In at least one individual the data is consistent with being in trans (on the opposite chromosome) from a pathogenic variant. ClinVar contains an entry for this variant (Variation ID: 1501628). An algorithm developed to predict the effect of missense changes on protein structure and function (PolyPhen-2) suggests that this variant is likely to be disruptive. Variants that disrupt the consensus splice site are a relatively common cause of aberrant splicing (PMID: 17576681, 9536098). Algorithms developed to predict the effect of sequence changes on RNA splicing suggest that this variant may disrupt the consensus splice site. For these reasons, this variant has been classified as Pathogenic.

Literature cited by the submitters: PubMed 32253119; PubMed 17576681; PubMed 9536098.